The following is an entry in ClinVar:

NM_016729.3(FOLR1):c.382C>T (p.Arg128Trp)

Genes: FOLR1 (folate receptor alpha; plus strand), FOLR1-AS1 (FOLR1 antisense RNA 1; minus strand). Cytogenetic location: 11q13.4.
Variant type: single nucleotide variant.
Coding change: c.382C>T on transcript NM_016729.3 (MANE Select); coding-DNA position 382, C replaced by T.
Protein change: p.Arg128Trp; replaces arginine 128 with tryptophan.
Molecular consequence: missense variant.
Genome position (GRCh38, 1-based): chr11:72,195,636, C>T. VCF-style: chr11-72195636-C-T. GRCh37 (hg19) VCF-style: chr11-71906680-C-T.
Other names: c.382C>T, p.Arg128Trp (NM_000802.3, NM_016724.3, NM_016725.3); short protein forms R128W.
Identifiers: ClinVar variation 1383847 (VCV001383847.8), dbSNP rs200728335, ClinGen allele CA6169178.

ClinVar aggregate classification (germline): Uncertain significance (1 of 4 stars; one submission).

Conditions:
Cerebral folate transport deficiency. Also called: FOLR1-Related Cerebral Folate Transport Deficiency; FOLATE RECEPTOR DEFICIENCY; Cerebral folate deficiency syndrome; NEURODEGENERATION DUE TO CEREBRAL FOLATE TRANSPORT DEFICIENCY; Neurodegenerative syndrome due to cerebral folate transport deficiency. Identifiers: Orphanet 217382, MedGen C2751584, MONDO:0013110, OMIM 613068. Disease mechanism: loss of function.

Allele frequency attached by ClinVar (database versions not stated): TOPMed below 0.00001; ExAC 0.00001; gnomAD 0.00001; gnomAD exomes 0.00001; 1000 Genomes Project 30x 0.00016; 1000 Genomes Project 0.00020.
gnomAD v4.1: 15 of 1,614,162 alleles (0.00093%); highest among the groups gnomAD compares: Non-Finnish European, 0.0011%; no homozygotes.

Submission:

Labcorp Genetics (formerly Invitae), Labcorp
Classification: Uncertain significance for Cerebral folate transport deficiency. Last evaluated: 2022-06-13. Review status: criteria provided, single submitter. Criteria: Invitae Variant Classification Sherloc (09022015). Collection method: clinical testing. Allele origin: germline.
Comment: In summary, the available evidence is currently insufficient to determine the role of this variant in disease. Therefore, it has been classified as a Variant of Uncertain Significance. Algorithms developed to predict the effect of sequence changes on RNA splicing suggest that this variant may create or strengthen a splice site. Algorithms developed to predict the effect of missense changes on protein structure and function are either unavailable or do not agree on the potential impact of this missense change (SIFT: "Tolerated"; PolyPhen-2: "Possibly Damaging"; Align-GVGD: "Class C0"). This variant has not been reported in the literature in individuals affected with FOLR1-related conditions. This variant is present in population databases (rs200728335, gnomAD 0.002%). This sequence change replaces arginine, which is basic and polar, with tryptophan, which is neutral and slightly polar, at codon 128 of the FOLR1 protein (p.Arg128Trp).